The following is an entry in ClinVar:

ClinVar aggregate classification (germline): Benign/Likely benign. Review status: criteria provided, multiple submitters, no conflicts (2 of 4 stars). 2 submissions from 2 submitters: Benign (1); Likely benign (1). Last evaluated 2026-06-16.

Conditions:
Polyps, multiple and recurrent inflammatory fibroid, gastrointestinal. Identifiers: MedGen C5193005, MONDO:0008285, OMIM 175510.
Gastrointestinal stromal tumor. Also called: Gastrointestinal stromal tumor, somatic; Gastrointestinal stroma tumor. Identifiers: Orphanet 44890, MedGen C0238198, MeSH D046152, MONDO:0011719, OMIM 606764, HP:0100723.

Allele frequency attached by ClinVar (database versions not stated): gnomAD exomes 0.00001; TOPMed 0.00001; ExAC 0.00002.
gnomAD v4.1: 10 of 1,488,314 alleles (0.00067%); highest among the groups gnomAD compares: Non-Finnish European, 0.00094%; no homozygotes.

Submissions (2):

Myriad Genetics, Inc.
Classification: Benign for Polyps, multiple and recurrent inflammatory fibroid, gastrointestinal. Last evaluated: 2026-06-16. Review status: criteria provided, single submitter. Criteria: Myriad Autosomal Dominant, Autosomal Recessive and X-Linked Classification Criteria (2023). Collection method: clinical testing. Allele origin: unknown.
Comment: This variant is considered benign. This variant is intronic and is not expected to impact mRNA splicing. This variant has been observed at a population frequency that is significantly greater than expected given the associated disease prevalence and penetrance.

Labcorp Genetics (formerly Invitae), Labcorp
Classification: Likely benign for Gastrointestinal stromal tumor. Last evaluated: 2025-10-26. Review status: criteria provided, single submitter. Criteria: Invitae Variant Classification Sherloc (09022015). Collection method: clinical testing. Allele origin: germline.

NM_006206.6(PDGFRA):c.1122-13C>T

Gene: PDGFRA (platelet derived growth factor receptor alpha; plus strand). Cytogenetic location: 4q12.
Variant type: single nucleotide variant.
Coding change: c.1122-13C>T on transcript NM_006206.6 (MANE Select); 13 bases into the intron before coding-DNA position 1122, C replaced by T.
Molecular consequence: intron variant.
Genome position (GRCh38, 1-based): chr4:54,270,620, C>T. VCF-style: chr4-54270620-C-T. GRCh37 (hg19) VCF-style: chr4-55136787-C-T.
Other names: c.1197-13C>T (NM_001347828.2); c.1122-13C>T (NM_001347827.2, NM_001347829.2); c.1161-13C>T (NM_001347830.2).
Identifiers: ClinVar variation 1565243 (VCV001565243.9), dbSNP rs760377080, ClinGen allele CA2922475.